The following is an entry in ClinVar:

NM_006946.4(SPTBN2):c.3963A>G (p.Ala1321=)

Gene: SPTBN2 (spectrin beta, non-erythrocytic 2; minus strand). Cytogenetic location: 11q13.2.
Variant type: single nucleotide variant.
Coding change: c.3963A>G on transcript NM_006946.4 (MANE Select); coding-DNA position 3963, A replaced by G.
Protein change: p.Ala1321=; no amino-acid change (alanine 1321 retained).
Molecular consequence: synonymous variant.
Genome position (GRCh38, 1-based): chr11:66,698,690, T>C on the plus strand (A>G on the coding strand, the complement: SPTBN2 is on the minus strand). VCF-style: chr11-66698690-T-C. GRCh37 (hg19) VCF-style: chr11-66466161-T-C.
Identifiers: ClinVar variation 623779 (VCV000623779.50), dbSNP rs142480868, ClinGen allele CA6128702.

ClinVar aggregate classification (germline): Benign/Likely benign. Review status: criteria provided, multiple submitters, no conflicts (2 of 4 stars). 3 submissions from 3 submitters: Benign (1); Likely benign (2). Last evaluated 2026-03-01.

Allele frequency attached by ClinVar (database versions not stated): gnomAD exomes 0.00009 and 0.00006; TOPMed 0.00009; gnomAD 0.00014; ExAC 0.00015; ESP Exome Variant Server 0.00015.
gnomAD v4.1: 109 of 1,614,140 alleles (0.0068%); highest among the groups gnomAD compares: Non-Finnish European, 0.0089%; no homozygotes.

Submissions (3):

CeGaT Center for Human Genetics Tuebingen
Classification: Likely benign. Last evaluated: 2026-03-01. Review status: criteria provided, single submitter. Criteria: CeGaT Center For Human Genetics Tuebingen Variant Classification Criteria Version 2. Collection method: clinical testing. Allele origin: germline. Affected: yes. Observed: 3 variant alleles.
Comment: SPTBN2: BP4, BP7

Labcorp Genetics (formerly Invitae), Labcorp
Classification: Likely benign. Last evaluated: 2024-10-25. Review status: criteria provided, single submitter. Criteria: Invitae Variant Classification Sherloc (09022015). Collection method: clinical testing. Allele origin: germline.

Athena Diagnostics
Classification: Benign. Last evaluated: 2023-10-09. Review status: criteria provided, single submitter. Criteria: Athena Diagnostics Criteria. Collection method: clinical testing. Allele origin: unknown.